The following is an entry in ClinVar:

ClinVar aggregate classification (germline): Uncertain significance (1 of 4 stars; one submission).

Conditions:
Early-infantile DEE. Also called: Ohtahara syndrome; Early infantile epileptic encephalopathy with suppression bursts; Early infantile epileptic encephalopathy. Identifiers: Orphanet 1934, MedGen C0393706, MONDO:0800491.

Allele frequency attached by ClinVar (database versions not stated): TOPMed 0.00002.
gnomAD v4.1: 3 of 1,613,020 alleles (0.00019%); highest among the groups gnomAD compares: Admixed American, 0.0017%; no homozygotes.

Submission:

Labcorp Genetics (formerly Invitae), Labcorp
Classification: Uncertain significance for Early-infantile DEE. Last evaluated: 2023-06-27. Review status: criteria provided, single submitter. Criteria: Invitae Variant Classification Sherloc (09022015). Collection method: clinical testing. Allele origin: germline.
Comment: In summary, the available evidence is currently insufficient to determine the role of this variant in disease. Therefore, it has been classified as a Variant of Uncertain Significance. Advanced modeling of protein sequence and biophysical properties (such as structural, functional, and spatial information, amino acid conservation, physicochemical variation, residue mobility, and thermodynamic stability) performed at Invitae indicates that this missense variant is expected to disrupt HCN1 protein function. ClinVar contains an entry for this variant (Variation ID: 1047281). This variant has not been reported in the literature in individuals affected with HCN1-related conditions. This variant is not present in population databases (gnomAD no frequency). This sequence change replaces arginine, which is basic and polar, with proline, which is neutral and non-polar, at codon 467 of the HCN1 protein (p.Arg467Pro).

NM_021072.4(HCN1):c.1400G>C (p.Arg467Pro)

Gene: HCN1 (hyperpolarization activated cyclic nucleotide gated potassium channel 1; minus strand). Cytogenetic location: 5p12.
Variant type: single nucleotide variant.
Coding change: c.1400G>C on transcript NM_021072.4 (MANE Select); coding-DNA position 1400, G replaced by C.
Protein change: p.Arg467Pro; replaces arginine 467 with proline.
Molecular consequence: missense variant.
Genome position (GRCh38, 1-based): chr5:45,303,817, C>G on the plus strand (G>C on the coding strand, the complement: HCN1 is on the minus strand). VCF-style: chr5-45303817-C-G. GRCh37 (hg19) VCF-style: chr5-45303919-C-G.
Other names: short protein forms R467P.
Identifiers: ClinVar variation 1047281 (VCV001047281.10), dbSNP rs773990933, ClinGen allele CA118283641.